The following is an entry in ClinVar:

NM_023110.3(FGFR1):c.1919C>T (p.Ala640Val)

Gene: FGFR1 (fibroblast growth factor receptor 1; minus strand). Cytogenetic location: 8p11.23.
Variant type: single nucleotide variant.
Coding change: c.1919C>T on transcript NM_023110.3 (MANE Select); coding-DNA position 1919, C replaced by T.
Protein change: p.Ala640Val; replaces alanine 640 with valine.
Molecular consequence: missense variant.
Genome position (GRCh38, 1-based): chr8:38,414,837, G>A on the plus strand (C>T on the coding strand, the complement: FGFR1 is on the minus strand). VCF-style: chr8-38414837-G-A. GRCh37 (hg19) VCF-style: chr8-38272355-G-A.
Other names: c.1913C>T, p.Ala638Val (NM_001174063.2, NM_001174065.2, NM_001354367.2 and 1 more transcripts); c.1889C>T, p.Ala630Val (NM_001174064.2); c.1652C>T, p.Ala551Val (NM_001174066.2, NM_023105.3); c.2012C>T, p.Ala671Val (NM_001174067.2); c.1640C>T, p.Ala547Val (NM_001354368.2); c.1907C>T, p.Ala636Val (NM_001354369.2); c.1646C>T, p.Ala549Val (NM_001354370.2, NM_023106.3); short protein forms A547V, A549V, A551V, A630V, A636V, A638V, A640V, A671V.
Identifiers: ClinVar variation 988298 (VCV000988298.9), dbSNP rs1815800575, ClinGen allele CA370730320.

ClinVar aggregate classification (germline): Conflicting classifications of pathogenicity. Review status: criteria provided, conflicting classifications (1 of 4 stars). 2 submissions from 2 submitters: Likely pathogenic (1); Uncertain significance (1). Last evaluated 2022-07-19.

Conditions:
Pfeiffer syndrome (ACS5). Also called: ACS V. Identifiers: Orphanet 710, MedGen C0220658, MONDO:0007043, OMIM 101600.
Hypogonadotropic hypogonadism 2 with or without anosmia (HH2). Also called: HYPOGONADOTROPIC HYPOGONADISM 2 WITH OR WITHOUT ANOSMIA, SUSCEPTIBILITY TO; HYPOGONADOTROPIC HYPOGONADISM 2 WITHOUT ANOSMIA, SUSCEPTIBILITY TO; HYPOGONADOTROPIC HYPOGONADISM 2 WITHOUT ANOSMIA; FGFR1-Related GnRH Deficiency (Kallmann Syndrome 2). Identifiers: Orphanet 478, MedGen C1563720, MONDO:0007844, OMIM 147950. Disease mechanism: loss of function.

Submissions (2):

Labcorp Genetics (formerly Invitae), Labcorp
Classification: Uncertain significance for Pfeiffer syndrome; Hypogonadotropic hypogonadism 2 with or without anosmia. Last evaluated: 2022-07-19. Review status: criteria provided, single submitter. Criteria: Invitae Variant Classification Sherloc (09022015). Collection method: clinical testing. Allele origin: germline.
Comment: This sequence change replaces alanine, which is neutral and non-polar, with valine, which is neutral and non-polar, at codon 640 of the FGFR1 protein (p.Ala640Val). This variant is not present in population databases (gnomAD no frequency). This variant has not been reported in the literature in individuals affected with FGFR1-related conditions. ClinVar contains an entry for this variant (Variation ID: 988298). Advanced modeling of protein sequence and biophysical properties (such as structural, functional, and spatial information, amino acid conservation, physicochemical variation, residue mobility, and thermodynamic stability) performed at Invitae indicates that this missense variant is expected to disrupt FGFR1 protein function. In summary, the available evidence is currently insufficient to determine the role of this variant in disease. Therefore, it has been classified as a Variant of Uncertain Significance.

Clinical Genetics and Genomics, Karolinska University Hospital
Classification: Likely pathogenic. Last evaluated: 2016-09-19. Review status: criteria provided, single submitter. Criteria: ACMG Guidelines, 2015. Collection method: clinical testing. Allele origin: germline. Affected: yes. Observed: 1 variant allele.